The following is an entry in ClinVar:

ClinVar aggregate classification (germline): Pathogenic. Review status: criteria provided, multiple submitters, no conflicts (2 of 4 stars). 7 submissions from 7 submitters: Pathogenic (6). 1 of the submissions does not count toward it. Last evaluated 2025-09-19.

Conditions:
Werner syndrome (WRN). Identifiers: Orphanet 902, MedGen C0043119, MONDO:0010196, OMIM 277700.

Allele frequency attached by ClinVar (database versions not stated): TOPMed 0.00001; gnomAD exomes 0.00002; ExAC 0.00001; gnomAD 0.00002 and 0.00003; 1000 Genomes Project 30x 0.00016; 1000 Genomes Project 0.00020.
gnomAD v4.1: 20 of 1,614,052 alleles (0.0012%); highest among the groups gnomAD compares: Admixed American, 0.012%; no homozygotes.

Submissions (7):

First Genomix Gene Laboratory, Genetic Diagnostics Department
Classification: Pathogenic for Werner syndrome. Last evaluated: 2025-09-19. Review status: criteria provided, single submitter. Criteria: ACMG Guidelines, 2015. Collection method: clinical testing. Allele origin: germline. Inheritance: Autosomal recessive inheritance. Affected: no. Observed: 1 variant allele.

Labcorp Genetics (formerly Invitae), Labcorp
Classification: Pathogenic for Werner syndrome. Last evaluated: 2025-07-07. Review status: criteria provided, single submitter. Criteria: Invitae Variant Classification Sherloc (09022015). Collection method: clinical testing. Allele origin: germline.
Comment: This sequence change creates a premature translational stop signal (p.Arg1305*) in the WRN gene. It is expected to result in an absent or disrupted protein product. Loss-of-function variants in WRN are known to be pathogenic (PMID: 16673358). This variant is present in population databases (rs121908446, gnomAD 0.01%). This premature translational stop signal has been observed in individual(s) with Werner syndrome (PMID: 8602509, 9012406). ClinVar contains an entry for this variant (Variation ID: 5444). RNA analysis performed to evaluate the impact of this premature translational stop signal on mRNA splicing indicates it does not significantly alter splicing (internal data). For these reasons, this variant has been classified as Pathogenic.

Baylor Genetics
Classification: Pathogenic for Werner syndrome. Last evaluated: 2023-12-29. Review status: criteria provided, single submitter. Criteria: ACMG Guidelines, 2015. Collection method: clinical testing. Allele origin: unknown.

Fulgent Genetics
Classification: Pathogenic for Werner syndrome. Last evaluated: 2022-05-25. Review status: criteria provided, single submitter. Criteria: ACMG Guidelines, 2015. Collection method: clinical testing. Allele origin: unknown.

Institute of Human Genetics Munich, TUM University Hospital
Classification: Pathogenic for Werner syndrome. Last evaluated: 2019-07-03. Review status: criteria provided, single submitter. Criteria: Classification criteria August 2017. Collection method: clinical testing. Allele origin: germline. Inheritance: Autosomal recessive inheritance. Affected: yes. Observed: 1 homozygote.

Laboratory for Molecular Medicine, Mass General Brigham Personalized Medicine
Classification: Pathogenic for Werner syndrome. Last evaluated: 2016-05-16. Review status: criteria provided, single submitter. Criteria: LMM Criteria. Collection method: clinical testing. Allele origin: germline. Inheritance: Autosomal recessive inheritance. Observed: 1 variant allele.
Comment: The p.Arg1305X variant in WRN has been reported in at least 5 homozygous patient s with Werner syndrome (Yu 1997). It has also been identified in 1/121,072 chrom osomes by the Exome Aggregation Consortium (ExAC ; dbSNP rs121908446). This nonsense variant leads to a premature termination cod on at position 1305, which is predicted to lead to a truncated or absent protein . Biallelic loss of function of the WRN gene is associated with Werner syndrome. In summary, the p.Arg1305X variant meets our criteria to be classified as patho genic for Werner syndrome in an autosomal recessive manner based upon its predic ted functional impact, identification in patients and low frequency in controls.

OMIM
Classification: Pathogenic for WERNER SYNDROME. Last evaluated: 1996-04-12. Review status: no assertion criteria provided. Collection method: literature only. Allele origin: germline. Not counted in ClinVar's aggregate classification.

Literature cited by the submitters: PubMed 16673358 (cited by Labcorp Genetics (formerly Invitae), Labcorp); PubMed 8602509 (cited by Labcorp Genetics (formerly Invitae), Labcorp and OMIM); PubMed 9012406 (cited by Labcorp Genetics (formerly Invitae), Labcorp and Laboratory for Molecular Medicine, Mass General Brigham Personalized Medicine).

NM_000553.6(WRN):c.3913C>T (p.Arg1305Ter)

Gene: WRN (WRN RecQ like helicase; plus strand). Cytogenetic location: 8p12.
Variant type: single nucleotide variant.
Coding change: c.3913C>T on transcript NM_000553.6 (MANE Select); coding-DNA position 3913, C replaced by T.
Protein change: p.Arg1305Ter; replaces arginine 1305 with a stop codon.
Molecular consequence: nonsense.
Genome position (GRCh38, 1-based): chr8:31,157,461, C>T. VCF-style: chr8-31157461-C-T. GRCh37 (hg19) VCF-style: chr8-31014977-C-T.
Other names: short protein forms R1305*.
Identifiers: ClinVar variation 5444 (VCV000005444.20), dbSNP rs121908446, ClinGen allele CA253482.